The following is an entry in ClinVar:

ClinVar aggregate classification (germline): Uncertain significance. Review status: criteria provided, multiple submitters, no conflicts (2 of 4 stars). 2 submissions from 2 submitters: Uncertain significance (2). Last evaluated 2021-05-07.

Conditions:
Hereditary cancer-predisposing syndrome. Also called: Tumor predisposition; Neoplastic Syndromes, Hereditary; Hereditary neoplastic syndrome; Hereditary Cancer Syndrome. Identifiers: Orphanet 140162, MedGen C0027672, MeSH D009386, MONDO:0015356.
Ataxia-telangiectasia syndrome (AT). Also called: Ataxia-telangiectasia, complementation group D; AT, COMPLEMENTATION GROUP C; ATAXIA-TELANGIECTASIA, COMPLEMENTATION GROUP A; ATAXIA-TELANGIECTASIA, FRESNO VARIANT; Ataxia-telangiectasia; Ataxia telangiectasia (A-T). Identifiers: Orphanet 100, MedGen C0004135, MONDO:0008840, OMIM 208900.

Submissions (2):

Labcorp Genetics (formerly Invitae), Labcorp
Classification: Uncertain significance for Ataxia-telangiectasia syndrome. Last evaluated: 2021-05-07. Review status: criteria provided, single submitter. Criteria: Invitae Variant Classification Sherloc (09022015). Collection method: clinical testing. Allele origin: germline.
Comment: Nucleotide substitutions within the consensus splice site are a relatively common cause of aberrant splicing (PMID: 17576681, 9536098). Algorithms developed to predict the effect of sequence changes on RNA splicing suggest that this variant may create or strengthen a splice site, but this prediction has not been confirmed by published transcriptional studies. In summary, the available evidence is currently insufficient to determine the role of this variant in disease. Therefore, it has been classified as a Variant of Uncertain Significance. This variant has not been reported in the literature in individuals with ATM-related conditions. ClinVar contains an entry for this variant (Variation ID: 918843). This variant is not present in population databases (ExAC no frequency). This sequence change falls in intron 61 of the ATM gene. It does not directly change the encoded amino acid sequence of the ATM protein. It affects a nucleotide within the consensus splice site of the intron.

Color Diagnostics, LLC DBA Color Health
Classification: Uncertain significance for Hereditary cancer-predisposing syndrome. Last evaluated: 2019-03-23. Review status: criteria provided, single submitter. Criteria: ACMG Guidelines, 2015. Collection method: clinical testing. Allele origin: germline.

Literature cited by the submitters: PubMed 17576681 (cited by Labcorp Genetics (formerly Invitae), Labcorp); PubMed 9536098 (cited by Labcorp Genetics (formerly Invitae), Labcorp).

NM_000051.4(ATM):c.8850+5A>G

Genes: ATM (ATM serine/threonine kinase; plus strand), C11orf65 (chromosome 11 open reading frame 65; minus strand). Cytogenetic location: 11q22.3.
Variant type: single nucleotide variant.
Coding change: c.8850+5A>G on transcript NM_000051.4 (MANE Select); 5 bases into the intron after coding-DNA position 8850, A replaced by G.
Molecular consequence: intron variant.
Genome position (GRCh38, 1-based): chr11:108,354,879, A>G. VCF-style: chr11-108354879-A-G. GRCh37 (hg19) VCF-style: chr11-108225606-A-G.
Other names: c.8850+5A>G (NM_001351834.2); c.640+31041T>C (NM_001330368.2); c.695-19587T>C (NM_001351110.2).
Identifiers: ClinVar variation 918843 (VCV000918843.8), dbSNP rs1057522186, ClinGen allele CA913188450.
Genomic context (GRCh38, chr11:108,354,879, plus strand): 5'-AGAAAACCATGGAAGTGATGAGAAACTCTCAGGAAACTCTGTTAACCATTGTAGAGGTAA[A>G]GTATTTTATAAGGAAGACTTTATTTTTTTTCTTACCAGGTAGACTGTGTATCTCATCAGG-3'